The following is an entry in ClinVar:

NM_001379200.1(TBX1):c.1394_1397dup (p.His466fs)

Gene: TBX1 (T-box transcription factor 1; plus strand). Cytogenetic location: 22q11.21.
Variant type: Duplication.
Coding change: c.1394_1397dup on transcript NM_001379200.1 (MANE Select); coding-DNA positions 1394 to 1397, 4 bases duplicated (ACCA; older notation c.1394_1397dupACCA).
Protein change: p.His466fs; shifts the reading frame from histidine 466.
Molecular consequence: frameshift variant. On other transcripts: intron variant (2).
Genome position (GRCh38, 1-based): chr22:19,766,746-19,766,749, ACCA duplicated. VCF-style (leftmost placement, unchanged base first): chr22-19766745-C-CACCA. GRCh37 (hg19) VCF-style: chr22-19754268-C-CACCA.
Other names: c.1367_1370dup, p.His457fs (NM_080647.1); c.1009+744_1009+747dup (NM_005992.1, NM_080646.2); short protein forms H457fs, H466fs.
Identifiers: ClinVar variation 2763922 (VCV002763922.4), dbSNP rs2517859351, ClinGen allele CA2697547639.

ClinVar aggregate classification (germline): Uncertain significance. Review status: criteria provided, multiple submitters, no conflicts (2 of 4 stars). 2 submissions from 2 submitters: Uncertain significance (2). Last evaluated 2024-04-25.

Conditions:
DiGeorge syndrome. Also called: Catch22; THIRD AND FOURTH PHARYNGEAL POUCH SYNDROME. Identifiers: Orphanet 567, MedGen C0012236, MONDO:0008564, OMIM 188400.

Submissions (2):

GeneDx
Classification: Uncertain significance. Last evaluated: 2024-04-25. Review status: criteria provided, single submitter. Criteria: GeneDx Variant Classification Process June 2021. Collection method: clinical testing. Allele origin: germline. Affected: yes.
Comment: Not observed at significant frequency in large population cohorts (gnomAD); Frameshift variant predicted to result in abnormal protein length as the last 39 amino acids are replaced with 160 different amino acids; Has not been previously published as pathogenic or benign to our knowledge

Labcorp Genetics (formerly Invitae), Labcorp
Classification: Uncertain significance for DiGeorge syndrome. Last evaluated: 2024-04-06. Review status: criteria provided, single submitter. Criteria: Invitae Variant Classification Sherloc (09022015). Collection method: clinical testing. Allele origin: germline.
Comment: This sequence change results in a frameshift in the TBX1 gene (p.His457Glnfs*161). While this is not anticipated to result in nonsense mediated decay, it is expected to disrupt the last 39 amino acid(s) of the TBX1 protein and extend the protein by 121 additional amino acid residues. This variant is not present in population databases (gnomAD no frequency). This variant has not been reported in the literature in individuals affected with TBX1-related conditions. Experimental studies and prediction algorithms are not available or were not evaluated, and the functional significance of this variant is currently unknown. In summary, the available evidence is currently insufficient to determine the role of this variant in disease. Therefore, it has been classified as a Variant of Uncertain Significance.